The following is an entry in ClinVar:

ClinVar aggregate classification (germline): Likely pathogenic (1 of 4 stars; one submission).

Submission:

GeneDx
Classification: Likely pathogenic. Last evaluated: 2016-02-02. Review status: criteria provided, single submitter. Criteria: GeneDx Variant Classification (06012015). Collection method: clinical testing. Allele origin: germline. Affected: yes.
Comment: The V890L variant has been reported in an individual with ambiguous genitalia (Audi et al., 2010). The V890L variant was not observed in approximately 6500 individuals of European and African American ancestry in the NHLBI Exome Sequencing Project, indicating it is not a common benign variant in these populations. The substitution occurs at a position that is conserved across species. The V890L variant occurs within the ligand binding domain, and a different missense variant at the same codon (V890M) has been published in association with complete and partial androgen insensitivity syndrome (Pinsky et al., 1992; DeBellis et al., 2004). Additionally, AR has a low rate of benign missense variation and missense variants are a common mechanism of disease in this gene.

NM_000044.6(AR):c.2668G>C (p.Val890Leu)

Gene: AR (androgen receptor; plus strand). Cytogenetic location: Xq12.
Variant type: single nucleotide variant.
Coding change: c.2668G>C on transcript NM_000044.6 (MANE Select); coding-DNA position 2668, G replaced by C.
Protein change: p.Val890Leu; replaces valine 890 with leucine.
Molecular consequence: missense variant.
Genome position (GRCh38, 1-based): chrX:67,723,746, G>C. VCF-style: chrX-67723746-G-C. GRCh37 (hg19) VCF-style: chrX-66943588-G-C.
Other names: c.1072G>C, p.Val358Leu (NM_001011645.3); short protein forms V890L, V358L.
Identifiers: ClinVar variation 430163 (VCV000430163.2), dbSNP rs886041133, ClinGen allele CA413428283.
Genomic context (GRCh38, chrX:67,723,746, plus strand): 5'-ATTGCGAGAGAGCTGCATCAGTTCACTTTTGACCTGCTAATCAAGTCACACATGGTGAGC[G>C]TGGACTTTCCGGAAATGATGGCAGAGATCATCTCTGTGCAAGTGCCCAAGATCCTTTCTG-3'
Protein context (NP_000035.2, residues 880-900): DLLIKSHMVS[Val890Leu]DFPEMMAEII